The following is an entry in ClinVar:

NM_001267550.2(TTN):c.86386C>T (p.Arg28796Cys)

Genes: TTN (titin; minus strand), TTN-AS1 (TTN antisense RNA 1; plus strand). Cytogenetic location: 2q31.2.
Variant type: single nucleotide variant.
Coding change: c.86386C>T on transcript NM_001267550.2 (MANE Select); coding-DNA position 86386, C replaced by T.
Protein change: p.Arg28796Cys; replaces arginine 28796 with cysteine.
Molecular consequence: missense variant.
Genome position (GRCh38, 1-based): chr2:178,559,746, G>A on the plus strand (C>T on the coding strand, the complement: TTN is on the minus strand). VCF-style: chr2-178559746-G-A. GRCh37 (hg19) VCF-style: chr2-179424473-G-A.
Other names: c.81463C>T, p.Arg27155Cys (NM_001256850.1); c.59191C>T, p.Arg19731Cys (NM_003319.4); c.78682C>T, p.Arg26228Cys (NM_133378.4); c.59566C>T, p.Arg19856Cys (NM_133432.3); c.59767C>T, p.Arg19923Cys (NM_133437.4); short protein forms R19731C, R19856C, R19923C, R26228C, R27155C, R28796C.
Identifiers: ClinVar variation 4537298 (VCV004537298.2).

ClinVar aggregate classification (germline): Conflicting classifications of pathogenicity. Review status: criteria provided, conflicting classifications (1 of 4 stars). 2 submissions from 2 submitters: Uncertain significance (1); Likely benign (1). Last evaluated 2025-11-19.

gnomAD v4.1: 35 of 1,598,840 alleles (0.0022%); highest among the groups gnomAD compares: African/African-American, 0.004%; no homozygotes.

Submissions (2):

Women's Health and Genetics/Laboratory Corporation of America, LabCorp
Classification: Uncertain significance. Last evaluated: 2025-11-19. Review status: criteria provided, single submitter. Criteria: LabCorp Variant Classification Summary - May 2015. Collection method: clinical testing. Allele origin: germline.
Comment: Variant summary: TTN c.78682C>T (p.Arg26228Cys) results in a non-conservative amino acid change in the encoded protein sequence. Algorithms developed to predict the effect of missense changes on protein structure and function are either unavailable or do not agree on the potential impact of this missense change. The variant allele was found at a frequency of 2.5e-05 in 236154 control chromosomes. The available data on variant occurrences in the general population are insufficient to allow any conclusion about variant significance. To our knowledge, no occurrence of c.78682C>T in individuals affected with TTN-related conditions and no experimental evidence demonstrating its impact on protein function have been reported. No submitters have cited clinical-significance assessments for this variant to ClinVar. Based on the evidence outlined above, the variant was classified as uncertain significance.

Blueprint Genetics
Classification: Likely benign. Last evaluated: 2023-03-03. Review status: criteria provided, single submitter. Criteria: ACMG Guidelines, 2015. Collection method: clinical testing. Allele origin: germline.